The following is an entry in ClinVar:

NM_000138.5(FBN1):c.5917+3A>G

Gene: FBN1 (fibrillin 1; minus strand). Cytogenetic location: 15q21.1.
Variant type: single nucleotide variant.
Coding change: c.5917+3A>G on transcript NM_000138.5 (MANE Select); 3 bases into the intron after coding-DNA position 5917, A replaced by G.
Molecular consequence: intron variant.
Genome position (GRCh38, 1-based): chr15:48,445,373, T>C on the plus strand (A>G on the coding strand, the complement: FBN1 is on the minus strand). VCF-style: chr15-48445373-T-C. GRCh37 (hg19) VCF-style: chr15-48737570-T-C.
Identifiers: ClinVar variation 199950 (VCV000199950.20), dbSNP rs202158568, ClinGen allele CA016165.
Genomic context (GRCh38, chr15:48,445,373, plus strand): 5'-GCATGATTCCTTGAGTGGTCTCTGGAAGCATTCTTTCCAGGTCTTTCTAAGTCCTGTACT[T>C]ACCCACACAGGTCCTCCCATCTGGAGCCACCTCATAGCCTTCATTGCACTGGCACTGGAA-3'

ClinVar aggregate classification (germline): Conflicting classifications of pathogenicity. Review status: criteria provided, conflicting classifications (1 of 4 stars). 8 submissions from 8 submitters: Uncertain significance (2); Benign (3); Likely benign (2). 1 of the submissions does not count toward it. Last evaluated 2025-10-29.

Conditions:
Marfan syndrome (MFS). Also called: Marfan syndrome, classic; FBN1-Related Marfan Syndrome; Marfan syndrome type 1; Marfan's syndrome; MARFAN SYNDROME, TYPE I. Identifiers: Orphanet 284963, Orphanet 558, MedGen C0024796, MONDO:0007947, OMIM 154700.
Familial thoracic aortic aneurysm and aortic dissection (TAAD). Also called: Thoracic aortic aneurysms and dissections. Identifiers: Orphanet 91387, MedGen C4707243, MONDO:0019625.
FBN1-related disorder. Also called: FBN1-related disorders.

Allele frequency attached by ClinVar (database versions not stated): gnomAD exomes 0.00003 and 0.00001; ESP Exome Variant Server 0.00015; ExAC 0.00002; gnomAD 0.00013 and 0.00014; TOPMed 0.00022; 1000 Genomes Project 30x 0.00016; 1000 Genomes Project 0.00020.
gnomAD v4.1: 38 of 1,612,576 alleles (0.0024%); highest among the groups gnomAD compares: African/African-American, 0.043%; no homozygotes.

Submissions (8):

Labcorp Genetics (formerly Invitae), Labcorp
Classification: Uncertain significance for Marfan syndrome; Familial thoracic aortic aneurysm and aortic dissection. Last evaluated: 2025-10-29. Review status: criteria provided, single submitter. Criteria: Invitae Variant Classification Sherloc (09022015). Collection method: clinical testing. Allele origin: germline.
Comment: This sequence change falls in intron 48 of the FBN1 gene. It does not directly change the encoded amino acid sequence of the FBN1 protein. It affects a nucleotide within the consensus splice site. This variant is present in population databases (rs202158568, gnomAD 0.05%). This variant has not been reported in the literature in individuals affected with FBN1-related conditions. ClinVar contains an entry for this variant (Variation ID: 199950). Variants that disrupt the consensus splice site are a relatively common cause of aberrant splicing (PMID: 17576681, 9536098). Algorithms developed to predict the effect of sequence changes on RNA splicing suggest that this variant is not likely to affect RNA splicing. In summary, the available evidence is currently insufficient to determine the role of this variant in disease. Therefore, it has been classified as a Variant of Uncertain Significance.

Ambry Genetics
Classification: Benign for Familial thoracic aortic aneurysm and aortic dissection. Last evaluated: 2025-09-16. Review status: criteria provided, single submitter. Criteria: Ambry Variant Classification Scheme 2023. Collection method: clinical testing. Allele origin: germline.

All of Us Research Program, National Institutes of Health
Classification: Likely benign for Marfan syndrome. Last evaluated: 2024-09-17. Review status: criteria provided, single submitter. Criteria: ACMG Guidelines, 2015. Collection method: clinical testing. Allele origin: germline. Inheritance: Autosomal dominant inheritance. Observed: 15 variant alleles, 15 heterozygotes.
Comment: This study involves interpretation of variants in research participants for the purpose of population health screening. Participant phenotype was not available at the time of variant classification. Additional details can be found in publication PMID: 35346344, PMCID: PMC8962531

CHEO Genetics Diagnostic Laboratory, Children's Hospital of Eastern Ontario
Classification: Uncertain significance for Familial thoracic aortic aneurysm and aortic dissection. Last evaluated: 2022-06-03. Review status: criteria provided, single submitter. Criteria: ACMG Guidelines, 2015. Collection method: clinical testing. Allele origin: germline.

Women's Health and Genetics/Laboratory Corporation of America, LabCorp
Classification: Benign. Last evaluated: 2019-05-20. Review status: criteria provided, single submitter. Criteria: LabCorp Variant Classification Summary - May 2015. Collection method: clinical testing. Allele origin: germline.
Comment: Variant summary: FBN1 c.5917+3A>G alters a non-conserved nucleotide located close to a canonical splice site and therefore could affect mRNA splicing, leading to a significantly altered protein sequence. 5/5 computational tools predict no significant impact on normal splicing. However, these predictions have yet to be confirmed by functional studies. The variant allele was found at a frequency of 4.3e-05 in 281838 control chromosomes, predominantly at a frequency of 0.00044 within the African or African-American subpopulation in the gnomAD database. The observed variant frequency within African or African-American control individuals in the gnomAD database is approximately 4 fold of the estimated maximal expected allele frequency for a pathogenic variant in FBN1 causing Marfan Syndrome phenotype (0.00011), strongly suggesting that the variant is a benign polymorphism found primarily in populations of African or African-American origin. To our knowledge, no occurrence of c.5917+3A>G in individuals affected with Marfan Syndrome and no experimental evidence demonstrating its impact on protein function have been reported. Two ClinVar submissions from clinical diagnostic laboratories (evaluation after 2014) cites the variant once as uncertain significance and once as likely benign. Based on the evidence outlined above, the variant was classified as benign.

Color Diagnostics, LLC DBA Color Health
Classification: Likely benign for Familial thoracic aortic aneurysm and aortic dissection. Last evaluated: 2018-12-10. Review status: criteria provided, single submitter. Criteria: ACMG Guidelines, 2015. Collection method: clinical testing. Allele origin: germline.

GeneDx
Classification: Benign. Last evaluated: 2014-06-27. Review status: criteria provided, single submitter. Criteria: GeneDx Variant Classification (06012015). Collection method: clinical testing. Allele origin: germline. Affected: yes.
Comment: This variant is considered likely benign or benign based on one or more of the following criteria: it is a conservative change, it occurs at a poorly conserved position in the protein, it is predicted to be benign by multiple in silico algorithms, and/or has population frequency not consistent with disease.

PreventionGenetics, part of Exact Sciences
Classification: Likely benign for FBN1-related condition. Last evaluated: 2024-08-26. Review status: no assertion criteria provided. Collection method: clinical testing. Allele origin: germline. Not counted in ClinVar's aggregate classification.
Comment: This variant is classified as likely benign based on ACMG/AMP sequence variant interpretation guidelines (Richards et al. 2015 PMID: 25741868, with internal and published modifications).

Literature cited by the submitters: PubMed 17576681 (cited by Labcorp Genetics (formerly Invitae), Labcorp); PubMed 9536098 (cited by Labcorp Genetics (formerly Invitae), Labcorp).